The following is an entry in ClinVar:

ClinVar aggregate classification (germline): Uncertain significance. Review status: criteria provided, multiple submitters, no conflicts (2 of 4 stars). 2 submissions from 2 submitters: Uncertain significance (2). Last evaluated 2026-05-07.

Conditions:
Hereditary cancer-predisposing syndrome. Also called: Neoplastic Syndromes, Hereditary; Tumor predisposition; Hereditary Cancer Syndrome; Hereditary neoplastic syndrome. Identifiers: Orphanet 140162, MedGen C0027672, MeSH D009386, MONDO:0015356.
Pheochromocytoma. Also called: MAX-Related Hereditary Paraganglioma-Pheochromocytoma Syndrome. Identifiers: Orphanet 29072, MedGen C0031511, MONDO:0008233, OMIM 171300, HP:0002666.
Carney-Stratakis syndrome. Also called: PARAGANGLIOMA AND GASTROINTESTINAL STROMAL TUMOR. Identifiers: Orphanet 97286, MedGen C1847319, MONDO:0011740, OMIM 606864.
Cowden syndrome 3 (CWS3). Identifiers: Orphanet 201, MedGen CN166604, MONDO:0014045.
Paragangliomas with sensorineural hearing loss. Identifiers: MedGen C1868633.

Submissions (2):

Ambry Genetics
Classification: Uncertain significance for Hereditary cancer-predisposing syndrome. Last evaluated: 2026-05-07. Review status: criteria provided, single submitter. Criteria: Ambry Variant Classification Scheme 2023. Collection method: clinical testing. Allele origin: germline.
Comment: The p.D92E variant (also known as c.276C>G), located in coding exon 3 of the SDHD gene, results from a C to G substitution at nucleotide position 276. The aspartic acid at codon 92 is replaced by glutamic acid, an amino acid with highly similar properties. This amino acid position is highly conserved in available vertebrate species. In addition, this alteration is predicted to be deleterious by in silico analysis. Based on the available evidence, the clinical significance of this variant remains unclear.

Labcorp Genetics (formerly Invitae), Labcorp
Classification: Uncertain significance for Carney-Stratakis syndrome; Paragangliomas with sensorineural hearing loss; Pheochromocytoma; Cowden syndrome 3. Last evaluated: 2023-12-08. Review status: criteria provided, single submitter. Criteria: Invitae Variant Classification Sherloc (09022015). Collection method: clinical testing. Allele origin: germline.
Comment: This sequence change replaces aspartic acid, which is acidic and polar, with glutamic acid, which is acidic and polar, at codon 92 of the SDHD protein (p.Asp92Glu). This variant is not present in population databases (gnomAD no frequency). This variant has not been reported in the literature in individuals affected with SDHD-related conditions. ClinVar contains an entry for this variant (Variation ID: 2567230). Advanced modeling of protein sequence and biophysical properties (such as structural, functional, and spatial information, amino acid conservation, physicochemical variation, residue mobility, and thermodynamic stability) has been performed at Invitae for this missense variant, however the output from this modeling did not meet the statistical confidence thresholds required to predict the impact of this variant on SDHD protein function. This variant disrupts the p.Asp92 amino acid residue in SDHD. Other variant(s) that disrupt this residue have been determined to be pathogenic (PMID: 19584903, 21348866). This suggests that this residue is clinically significant, and that variants that disrupt this residue are likely to be disease-causing. In summary, the available evidence is currently insufficient to determine the role of this variant in disease. Therefore, it has been classified as a Variant of Uncertain Significance.

Literature cited by the submitters: PubMed 19584903 (cited by Labcorp Genetics (formerly Invitae), Labcorp); PubMed 21348866 (cited by Labcorp Genetics (formerly Invitae), Labcorp).

NM_003002.4(SDHD):c.276C>G (p.Asp92Glu)

Gene: SDHD (succinate dehydrogenase complex subunit D; plus strand). Cytogenetic location: 11q23.1.
Variant type: single nucleotide variant.
Coding change: c.276C>G on transcript NM_003002.4 (MANE Select); coding-DNA position 276, C replaced by G.
Protein change: p.Asp92Glu; replaces aspartic acid 92 with glutamic acid.
Molecular consequence: missense variant. On other transcripts: non-coding transcript variant (1), intron variant (1).
Genome position (GRCh38, 1-based): chr11:112,088,973, C>G. VCF-style: chr11-112088973-C-G. GRCh37 (hg19) VCF-style: chr11-111959697-C-G.
Other names: c.159C>G, p.Asp53Glu (NM_001276504.2); c.276C>G, p.Asp92Glu (NM_001276506.2); c.169+1000C>G (NM_001276503.2); short protein forms D53E, D92E.
Identifiers: ClinVar variation 2567230 (VCV002567230.6), dbSNP rs2135269643, ClinGen allele CA382617363.